The following is an entry in ClinVar:

ClinVar aggregate classification (germline): Conflicting classifications of pathogenicity. Review status: criteria provided, conflicting classifications (1 of 4 stars). 5 submissions from 5 submitters: Uncertain significance (1); Benign (1); Likely benign (2). 1 of the submissions does not count toward it. Last evaluated 2025-12-20.

Conditions:
NLRP12-related disorder. Also called: NLRP12-related conditions; NLRP12-related condition.
Inborn genetic diseases. Identifiers: MedGen C0950123, MeSH D030342.
Familial cold autoinflammatory syndrome 2 (FCAS2). Identifiers: Orphanet 247868, MedGen C2673198, MONDO:0012724, OMIM 611762.

Allele frequency attached by ClinVar (database versions not stated): ExAC 0.00013; gnomAD exomes 0.00013; 1000 Genomes Project 0.00020; 1000 Genomes Project 30x 0.00031; gnomAD 0.00053 and 0.00056; ESP Exome Variant Server 0.00069; TOPMed 0.00069.
gnomAD v4.1: 143 of 1,614,108 alleles (0.0089%); highest among the groups gnomAD compares: African/African-American, 0.15%; no homozygotes.

Submissions (5):

Labcorp Genetics (formerly Invitae), Labcorp
Classification: Likely benign for Familial cold autoinflammatory syndrome 2. Last evaluated: 2025-12-20. Review status: criteria provided, single submitter. Criteria: Invitae Variant Classification Sherloc (09022015). Collection method: clinical testing. Allele origin: germline.

Blueprint Genetics
Classification: Likely benign. Last evaluated: 2024-08-28. Review status: criteria provided, single submitter. Criteria: ACMG Guidelines, 2015. Collection method: clinical testing. Allele origin: germline.

Ambry Genetics
Classification: Uncertain significance for Inborn genetic diseases. Last evaluated: 2023-10-10. Review status: criteria provided, single submitter. Criteria: Ambry Variant Classification Scheme 2023. Collection method: clinical testing. Allele origin: germline.

Illumina Laboratory Services, Illumina
Classification: Benign for Familial cold autoinflammatory syndrome 2. Last evaluated: 2018-01-13. Review status: criteria provided, single submitter. Criteria: ICSL Variant Classification Criteria 13 December 2019. Collection method: clinical testing. Allele origin: germline.
Comment: This variant was observed in the ICSL laboratory as part of a predisposition screen in an ostensibly healthy population. It had not been previously curated by ICSL or reported in the Human Gene Mutation Database (HGMD: prior to June 1st, 2018), and was therefore a candidate for classification through an automated scoring system. Utilizing variant allele frequency, disease prevalence and penetrance estimates, and inheritance mode, an automated score was calculated to assess if this variant is too frequent to cause the disease. Based on the score and internal cut-off values, a variant classified as benign is not then subjected to further curation. The score for this variant resulted in a classification of benign for this disease.

PreventionGenetics, part of Exact Sciences
Classification: Likely benign for NLRP12-related condition. Last evaluated: 2023-10-23. Review status: no assertion criteria provided. Collection method: clinical testing. Allele origin: germline. Not counted in ClinVar's aggregate classification.
Comment: This variant is classified as likely benign based on ACMG/AMP sequence variant interpretation guidelines (Richards et al. 2015 PMID: 25741868, with internal and published modifications).

NM_144687.4(NLRP12):c.2309A>C (p.Lys770Thr)

Gene: NLRP12 (NLR family pyrin domain containing 12; minus strand). Cytogenetic location: 19q13.42.
Variant type: single nucleotide variant.
Coding change: c.2309A>C on transcript NM_144687.4 (MANE Select); coding-DNA position 2309, A replaced by C.
Protein change: p.Lys770Thr; replaces lysine 770 with threonine.
Molecular consequence: missense variant.
Genome position (GRCh38, 1-based): chr19:53,805,385, T>G on the plus strand (A>C on the coding strand, the complement: NLRP12 is on the minus strand). VCF-style: chr19-53805385-T-G. GRCh37 (hg19) VCF-style: chr19-54308639-T-G.
Other names: c.2312A>C, p.Lys771Thr (NM_001277126.2); c.2309A>C, p.Lys770Thr (NM_001277129.1); c.2309A>C (NM_144687.2); short protein forms K771T, K770T.
Identifiers: ClinVar variation 330022 (VCV000330022.19), dbSNP rs138493915, ClinGen allele CA9639120.